The following is an entry in ClinVar:

ClinVar aggregate classification (germline): Pathogenic (1 of 4 stars; one submission).

Conditions:
Cornelia de Lange syndrome 1 (CDLS1). Also called: TYPUS DEGENERATIVUS AMSTELODAMENSIS; Brachmann de Lange syndrome; NIPBL-Related Cornelia de Lange Syndrome. Identifiers: Orphanet 199, MedGen C4551851, MONDO:0007387, OMIM 122470.

Submission:

Juno Genomics, Hangzhou Juno Genomics, Inc
Classification: Pathogenic for Cornelia de Lange syndrome 1. Review status: criteria provided, single submitter. Criteria: ACMG Guidelines, 2015. Collection method: clinical testing. Allele origin: germline. Affected: yes.
Comment: Absent from controls (or at extremely low frequency if recessive) in Genome Aggregation Database, Exome Sequencing Project, 1000 Genomes Project, or Exome Aggregation Consortium.;Null variant in a gene where loss of function (LOF) is a known mechanism of disease.;Assumed de novo, but without confirmation of paternity and maternity.

NM_133433.4(NIPBL):c.5795dup (p.Asn1932fs)

Gene: NIPBL (NIPBL cohesin loading factor; plus strand). Cytogenetic location: 5p13.2.
Variant type: Duplication.
Coding change: c.5795dup on transcript NM_133433.4 (MANE Select); coding-DNA position 5795, one base duplicated (A; older notation c.5795dupA).
Protein change: p.Asn1932fs; shifts the reading frame from asparagine 1932.
Molecular consequence: frameshift variant.
Genome position (GRCh38, 1-based): chr5:37,026,314, A duplicated; the last of 3 consecutive A bases (chr5:37,026,312-37,026,314); duplicating any one gives the same sequence. VCF-style (leftmost placement, unchanged base first): chr5-37026311-T-TA. GRCh37 (hg19) VCF-style: chr5-37026413-T-TA.
Other names: c.5795dup, p.Asn1932fs (NM_015384.5); short protein forms N1932fs.
Identifiers: ClinVar variation 3382347 (VCV003382347.2).
Genomic context (GRCh38, chr5:37,026,311, plus strand): 5'-AGAAACTCTGGTTTACTCCAACTCCACACAATGACAAAGAAGCAATGACAAGGAAAATTT[T>TA]AAACATTACCGATGTGGTAAGAAGGACTGGAACAAGGGTGTGGTCACTGTTGATCCAGAC-3'